The following is an entry in ClinVar:

ClinVar aggregate classification (germline): Likely benign (0 of 4 stars; one submission).

Conditions:
CEP290-related disorder. Also called: CEP290-related condition; CEP290-related disorders. Identifiers: MedGen CN239314.

gnomAD v4.1: 5 of 1,496,858 alleles (0.00033%); highest among the groups gnomAD compares: African/African-American, 0.0057%; no homozygotes.

Submission:

PreventionGenetics, part of Exact Sciences
Classification: Likely benign for CEP290-related condition. Last evaluated: 2024-03-27. Review status: no assertion criteria provided. Collection method: clinical testing. Allele origin: germline.
Comment: This variant is classified as likely benign based on ACMG/AMP sequence variant interpretation guidelines (Richards et al. 2015 PMID: 25741868, with internal and published modifications).

NM_025114.4(CEP290):c.6819-3T>C

Gene: CEP290 (centrosomal protein 290; minus strand). Cytogenetic location: 12q21.32.
Variant type: single nucleotide variant.
Coding change: c.6819-3T>C on transcript NM_025114.4 (MANE Select); 3 bases into the intron before coding-DNA position 6819, T replaced by C.
Molecular consequence: intron variant.
Genome position (GRCh38, 1-based): chr12:88,055,720, A>G on the plus strand (T>C on the coding strand, the complement: CEP290 is on the minus strand). VCF-style: chr12-88055720-A-G. GRCh37 (hg19) VCF-style: chr12-88449497-A-G.
Identifiers: ClinVar variation 3350655 (VCV003350655.1).
Genomic context (GRCh38, chr12:88,055,720, plus strand): 5'-GCTTTGATTTTTTTTGGCAATATCAGTTTCCAATTCTTTTAACTTGGTTTCATACATTCT[A>G]AAAGTATAAGGAAAAAAAGTATAGACATGGCAAATAATTTATGTCACTGATTTAAAAGTC-3'